The following is an entry in ClinVar:

NM_001164508.2(NEB):c.24454C>T (p.Arg8152Ter)

Genes: NEB (nebulin; minus strand), RIF1 (replication timing regulatory factor 1; plus strand). Cytogenetic location: 2q23.3.
Variant type: single nucleotide variant.
Coding change: c.24454C>T on transcript NM_001164508.2 (MANE Select); coding-DNA position 24454, C replaced by T.
Protein change: p.Arg8152Ter; replaces arginine 8152 with a stop codon.
Molecular consequence: nonsense.
Genome position (GRCh38, 1-based): chr2:151,496,308, G>A on the plus strand (C>T on the coding strand, the complement: NEB is on the minus strand). VCF-style: chr2-151496308-G-A. GRCh37 (hg19) VCF-style: chr2-152352822-G-A.
Other names: NM_001164508.2(NEB):c.24454C>T; p.Arg8152Ter; c.24454C>T, p.Arg8152Ter (NM_001164507.2); c.24559C>T, p.Arg8187Ter (NM_001271208.2); c.18886C>T, p.Arg6296Ter (NM_004543.5); short protein forms R8187*, R6296*, R8152*.
Identifiers: ClinVar variation 496135 (VCV000496135.29), dbSNP rs763364977, ClinGen allele CA16021311.
Genomic context (GRCh38, chr2:151,496,308, plus strand): 5'-GTAGTTTTTTTCTTTTCTCGCCAAGTACCGAGCTAATATTTTCTTGATTGTGTTTGACTC[G>A]CTCCATCTCGGGAGTGACAGCTAAAGGAGTTCCCTTGCCCATGTTTTCTTTGTATAACAC-3'

ClinVar aggregate classification (germline): Pathogenic/Likely pathogenic. Review status: criteria provided, multiple submitters, no conflicts (2 of 4 stars). 11 submissions from 11 submitters: Pathogenic (8); Likely pathogenic (2). 1 of the submissions does not count toward it. Last evaluated 2025-07-14.

Conditions:
Arthrogryposis multiplex congenita 6. Identifiers: MedGen C5543431, MONDO:0030281, OMIM 619334.
Nemaline myopathy 2 (NEM2). Also called: Nemaline myopathy 2, autosomal recessive. Identifiers: MedGen C1850569, MONDO:0009725, OMIM 256030.
Nemaline myopathy. Also called: Myopathies, Nemaline. Identifiers: Orphanet 607, MedGen C0206157, MONDO:0018958.

Allele frequency attached by ClinVar (database versions not stated): TOPMed below 0.00001.
gnomAD v4.1: 4 of 1,611,358 alleles (0.00025%); highest among the groups gnomAD compares: South Asian, 0.0011%; no homozygotes.

Submissions (11):

Natera, Inc.
Classification: Pathogenic for Nemaline myopathy type 2. Last evaluated: 2025-07-14. Review status: criteria provided, single submitter. Criteria: Natera Variant Classification Schema (03/2026). Collection method: clinical testing. Allele origin: germline.
Comment: The c.24559C>T variant in NEB is a nonsense variant predicted to introduce a stop codon at amino acid 8187. This variant is expected to result in nonsense mediated decay, truncation, or a dysfunctional protein product. This variant is rare in the general population with a frequency below the threshold expected for the associated phenotype(s). This variant has been observed in one or more individuals affected with the associated recessive disease, as either homozygous or compound heterozygous with a second variant (PMID: 25205138). Given the available evidence, this variant is classified as Pathogenic.

Broad Center for Mendelian Genomics, Broad Institute of MIT and Harvard
Classification: Likely pathogenic for Nemaline myopathy. Last evaluated: 2025-02-25. Review status: criteria provided, single submitter. Criteria: ACMG Guidelines, 2015. Collection method: curation. Allele origin: germline. Inheritance: Autosomal recessive inheritance.
Comment: The p.Arg8152Ter variant in NEB has been reported in three individuals with nemaline myopathy (PMID: 36703223, 25205138, 27105866), and has been identified in 0.001% (1/90592) of South Asian chromosomes by the Genome Aggregation Database (gnomAD; dbSNP ID: rs763364977). Although this variant has been seen in the general population in a heterozygous state, its frequency is low enough to be consistent with a recessive carrier frequency. This variant has also been reported in ClinVar (Variation ID: 496135) and has been interpreted as pathogenic or likely pathogenic by many submitters. Of the 3 affected individuals ,1 of those was a homozygote, which increases the likelihood that the p.Arg8152Ter variant is pathogenic (PMID: 36703223). This nonsense variant leads to a premature termination codon at position 8152, which is predicted to lead to a truncated or absent protein. Computational tools predict a splicing impact, though this information is not predictive enough to determine pathogenicity. This variant is in an in-frame exon and is more likely to escape (NMD) and result in a truncated protein. In-frame exon skipping of the NEB gene is an established disease mechanism in autosomal recessive nemaline myopathy. In summary, although additional studies are required to fully establish its clinical significance, this variant is likely pathogenic for autosomal recessive nemaline myopathy. ACMG/AMP Criteria applied: PVS1_Strong, PM3, PM2_supporting (Richards 2015).

Genomic Medicine Center of Excellence, King Faisal Specialist Hospital and Research Centre
Classification: Pathogenic for Nemaline myopathy 2. Last evaluated: 2024-03-26. Review status: criteria provided, single submitter. Criteria: ACMG Guidelines, 2015. Collection method: clinical testing. Allele origin: germline.

Fulgent Genetics
Classification: Pathogenic for Nemaline myopathy 2; Arthrogryposis multiplex congenita 6. Last evaluated: 2024-02-18. Review status: criteria provided, single submitter. Criteria: ACMG Guidelines, 2015. Collection method: clinical testing. Allele origin: germline.

Baylor Genetics
Classification: Pathogenic for Arthrogryposis multiplex congenita 6. Last evaluated: 2024-02-15. Review status: criteria provided, single submitter. Criteria: ACMG Guidelines, 2015. Collection method: clinical testing. Allele origin: unknown.

Labcorp Genetics (formerly Invitae), Labcorp
Classification: Pathogenic for Nemaline myopathy 2. Last evaluated: 2023-12-10. Review status: criteria provided, single submitter. Criteria: Invitae Variant Classification Sherloc (09022015). Collection method: clinical testing. Allele origin: germline.
Comment: This sequence change creates a premature translational stop signal (p.Arg8187*) in the NEB gene. It is expected to result in an absent or disrupted protein product. Loss-of-function variants in NEB are known to be pathogenic (PMID: 25205138). This variant is not present in population databases (gnomAD no frequency). This premature translational stop signal has been observed in individuals with nemaline myopathy (PMID: 25205138, 27105866). ClinVar contains an entry for this variant (Variation ID: 496135). Algorithms developed to predict the effect of sequence changes on RNA splicing suggest that this variant may disrupt the consensus splice site. For these reasons, this variant has been classified as Pathogenic.

Dubai Health Genomic Medicine Center, Dubai Health
Classification: Pathogenic. Last evaluated: 2022-12-17. Review status: criteria provided, single submitter. Criteria: ACMG Guidelines, 2015. Collection method: clinical testing. Allele origin: germline. Affected: yes.

Revvity Omics, Revvity
Classification: Pathogenic. Last evaluated: 2021-03-05. Review status: criteria provided, single submitter. Criteria: ACMG Guidelines, 2015. Collection method: clinical testing. Allele origin: germline.

Illumina Laboratory Services, Illumina
Classification: Likely pathogenic for Nemaline myopathy 2. Last evaluated: 2018-10-16. Review status: criteria provided, single submitter. Criteria: ICSL Variant Classification Criteria 09 May 2019. Collection method: clinical testing. Allele origin: germline.
Comment: The NEB c.18886C>T (p.Arg6296Ter) variant, also reported as c.24559C>T (p.Arg8187Ter), is a stop-gained variant predicted to result in a premature termination of the protein. The p.Arg8187Ter variant is reported in two studies, in which it is found in two patients in a compound heterozygous state with nemaline myopahty (Lehtokari et al. 2014; Piga et al. 2016). Control data are unavailable for this variant and it is not found in the 1000 Genomes Project, the Exome Sequencing Project, the Exome Aggregation Consortium or the Genome Aggregation Database in a region of good sequence coverage, thus the variant is presumed to be rare. Based on the evidence and potential impact of stop-gained variants, the p.Arg6296Ter variant is classified as likely pathogenic for autosomal recessive nemaline myopathy. This variant was observed by ICSL as part of a predisposition screen in an ostensibly healthy population.

Women's Health and Genetics/Laboratory Corporation of America, LabCorp
Classification: Pathogenic for Nemaline myopathy. Last evaluated: 2016-07-28. Review status: criteria provided, single submitter. Criteria: LabCorp Variant Classification Summary - May 2015. Collection method: clinical testing. Allele origin: germline.
Comment: Variant summary: The NEB c.24559C>T (p.Arg8187X) variant causes a nonsense mutation involving a conserved nucleotide resulting in a truncated NEB protein, a known mechanism for disease. The variant of interest was not observed in controls (ExAC, 1000 Gs, or ESP) and has been reported in multiple affected individuals in the compound heterozygous state. Publications have indicated that the variant of interest could cause a intermediate phenotype. Therefore, taking all available lines of evidence into consideration, the variant of interest has been classified as Pathogenic.

Counsyl
Classification: Pathogenic for Nemaline myopathy 2. Last evaluated: 2016-11-18. Review status: no assertion criteria provided. Collection method: clinical testing. Allele origin: unknown. Not counted in ClinVar's aggregate classification.

Literature cited by the submitters: PubMed 25205138 (cited by 4 submitters); PubMed 27105866 (cited by 3 submitters).